The following is an entry in ClinVar:

NM_001368894.2(PAX6):c.-118_-117del

Gene: PAX6 (paired box 6; minus strand). Cytogenetic location: 11p13.
Variant type: Deletion.
Coding change: c.-118_-117del on transcript NM_001368894.2 (MANE Select); 118 bases upstream of the start codon through 117 bases upstream of the start codon, 2 bases deleted (TT; older notation c.-118_-117delTT).
Molecular consequence: 5 prime UTR variant. On other transcripts: non-coding transcript variant (2), intron variant (2).
Genome position (GRCh38, 1-based): chr11:31,806,914-31,806,915, AA deleted on the plus strand (TT on the coding strand, the reverse complement: PAX6 is on the minus strand); deleting any 2 consecutive bases within chr11:31,806,914-31,806,916 gives the same sequence; the c. name uses the placement nearest the transcript's 3' end. VCF-style (leftmost placement, unchanged base first): chr11-31806913-TAA-T. GRCh37 (hg19) VCF-style: chr11-31828461-TAA-T.
Other names: c.-118_-117delTT (NM_000280.4); c.-118_-117del (NM_000280.6, NM_001127612.3, NM_001258462.3 and 30 more transcripts); c.-395_-394del (NM_001368904.2); c.-899_-898del (NM_001368905.2); c.-18_-17del (NM_001368910.2); c.-268+3913_-268+3914del (NM_001368909.2); c.13+3913_13+3914del (NM_001368911.2).
Identifiers: ClinVar variation 559616 (VCV000559616.8), dbSNP rs1554986858, ClinGen allele CA913190252.

ClinVar aggregate classification (germline): Pathogenic/Likely pathogenic. Review status: criteria provided, multiple submitters, no conflicts (2 of 4 stars). 2 submissions from 2 submitters: Pathogenic (1); Likely pathogenic (1). Last evaluated 2023-09-04.

Conditions:
Aniridia 1 (AN1). Identifiers: Orphanet 250923, MedGen C0344542, MONDO:0024507, OMIM 106210.
Irido-corneo-trabecular dysgenesis (ASGD5). Also called: ANTERIOR SEGMENT DYSGENESIS 5. Identifiers: Orphanet 708, MedGen C0344559, MONDO:0011414, OMIM 604229, HP:0000659.

Submissions (2):

Labcorp Genetics (formerly Invitae), Labcorp
Classification: Pathogenic for Aniridia 1; Irido-corneo-trabecular dysgenesis. Last evaluated: 2023-09-04. Review status: criteria provided, single submitter. Criteria: Invitae Variant Classification Sherloc (09022015). Collection method: clinical testing. Allele origin: germline.
Comment: This variant has been observed in individual(s) with aniridia (PMID: 30291432, 34174135). In at least one individual the variant was observed to be de novo. This variant occurs in a non-coding region of the PAX6 gene. It does not change the encoded amino acid sequence of the PAX6 protein. This variant is not present in population databases (gnomAD no frequency). ClinVar contains an entry for this variant (Variation ID: 559616). Studies have shown that this variant alters PAX6 gene expression (PMID: 34174135). For these reasons, this variant has been classified as Pathogenic.

Genetics Department, University Hospital of Toulouse
Classification: Likely pathogenic for Aniridia 1. Last evaluated: 2018-08-01. Review status: criteria provided, single submitter. Criteria: ACMG Guidelines, 2015. Collection method: research. Allele origin: inherited. Affected: yes.

Literature cited by the submitters: PubMed 30291432 (cited by Labcorp Genetics (formerly Invitae), Labcorp); PubMed 34174135 (cited by Labcorp Genetics (formerly Invitae), Labcorp).